The following is an entry in ClinVar:

NM_000124.4(ERCC6):c.2954G>A (p.Arg985Lys)

Gene: ERCC6 (ERCC excision repair 6, chromatin remodeling factor; minus strand). Cytogenetic location: 10q11.23.
Variant type: single nucleotide variant.
Coding change: c.2954G>A on transcript NM_000124.4 (MANE Select); coding-DNA position 2954, G replaced by A.
Protein change: p.Arg985Lys; replaces arginine 985 with lysine.
Molecular consequence: missense variant.
Genome position (GRCh38, 1-based): chr10:49,471,091, C>T on the plus strand (G>A on the coding strand, the complement: ERCC6 is on the minus strand). VCF-style: chr10-49471091-C-T. GRCh37 (hg19) VCF-style: chr10-50679137-C-T.
Other names: c.2954G>A, p.Arg985Lys (NM_001346440.2); short protein forms R985K.
Identifiers: ClinVar variation 3252138 (VCV003252138.1), dbSNP rs1564729682.

ClinVar aggregate classification (germline): Uncertain significance (1 of 4 stars; one submission).

Allele frequency attached by ClinVar (database versions not stated): gnomAD exomes below 0.00001.
gnomAD v4.1: 3 of 1,613,896 alleles (0.00019%); highest among the groups gnomAD compares: South Asian, 0.0033%; no homozygotes.

Submission:

GeneDx
Classification: Uncertain significance. Last evaluated: 2023-06-05. Review status: criteria provided, single submitter. Criteria: GeneDx Variant Classification Process June 2021. Collection method: clinical testing. Allele origin: germline. Affected: yes.
Comment: In silico analysis supports that this missense variant does not alter protein structure/function; Has not been previously published as pathogenic or benign to our knowledge